The following is an entry in ClinVar:

ClinVar aggregate classification (germline): Likely benign. Review status: criteria provided, multiple submitters, no conflicts (2 of 4 stars). 4 submissions from 4 submitters: Likely benign (4). Last evaluated 2025-11-25.

Conditions:
Kabuki syndrome. Also called: NIIKAWA-KUROKI SYNDROME; Kabuki make-up syndrome. Identifiers: Orphanet 2322, MedGen C0796004, MONDO:0016512.
KMT2D-related disorder. Also called: KMT2D-Related Disorders.
Inborn genetic diseases. Identifiers: MedGen C0950123, MeSH D030342.

Allele frequency attached by ClinVar (database versions not stated): gnomAD 0.00007; TOPMed 0.00012; 1000 Genomes Project 30x 0.00016; 1000 Genomes Project 0.00020.
gnomAD v4.1: 235 of 1,613,376 alleles (0.015%); highest among the groups gnomAD compares: Non-Finnish European, 0.019%; no homozygotes.

Submissions (4):

Labcorp Genetics (formerly Invitae), Labcorp
Classification: Likely benign for Kabuki syndrome. Last evaluated: 2025-11-25. Review status: criteria provided, single submitter. Criteria: Invitae Variant Classification Sherloc (09022015). Collection method: clinical testing. Allele origin: germline.

PreventionGenetics, part of Exact Sciences
Classification: Likely benign for KMT2D-related condition. Last evaluated: 2025-10-20. Review status: criteria provided, single submitter. Criteria: ACMG Guidelines, 2015. Collection method: clinical testing. Allele origin: germline.
Comment: This variant is classified as likely benign based on ACMG/AMP sequence variant interpretation guidelines (Richards et al. 2015 PMID: 25741868, with internal and published modifications).

Ambry Genetics
Classification: Likely benign for Inborn genetic diseases. Last evaluated: 2022-05-27. Review status: criteria provided, single submitter. Criteria: Ambry Variant Classification Scheme 2023. Collection method: clinical testing. Allele origin: germline.

GeneDx
Classification: Likely benign. Last evaluated: 2021-05-18. Review status: criteria provided, single submitter. Criteria: GeneDx Variant Classification Process June 2021. Collection method: clinical testing. Allele origin: germline. Affected: yes.

NM_003482.4(KMT2D):c.14496G>T (p.Lys4832Asn)

Gene: KMT2D (lysine methyltransferase 2D; minus strand). Cytogenetic location: 12q13.12.
Variant type: single nucleotide variant.
Coding change: c.14496G>T on transcript NM_003482.4 (MANE Select); coding-DNA position 14496, G replaced by T.
Protein change: p.Lys4832Asn; replaces lysine 4832 with asparagine.
Molecular consequence: missense variant.
Genome position (GRCh38, 1-based): chr12:49,028,028, C>A on the plus strand (G>T on the coding strand, the complement: KMT2D is on the minus strand). VCF-style: chr12-49028028-C-A. GRCh37 (hg19) VCF-style: chr12-49421811-C-A.
Other names: short protein forms K4832N.
Identifiers: ClinVar variation 1326182 (VCV001326182.13), dbSNP rs557710880, ClinGen allele CA6545729.